The following is an entry in ClinVar:

NM_022437.3(ABCG8):c.1762G>A (p.Ala588Thr)

Gene: ABCG8 (ATP binding cassette subfamily G member 8; plus strand). Cytogenetic location: 2p21.
Variant type: single nucleotide variant.
Coding change: c.1762G>A on transcript NM_022437.3 (MANE Select); coding-DNA position 1762, G replaced by A.
Protein change: p.Ala588Thr; replaces alanine 588 with threonine.
Molecular consequence: missense variant.
Genome position (GRCh38, 1-based): chr2:43,877,566, G>A. VCF-style: chr2-43877566-G-A. GRCh37 (hg19) VCF-style: chr2-44104705-G-A.
Other names: c.1759G>A, p.Ala587Thr (NM_001357321.2); short protein forms A588T, A587T.
Identifiers: ClinVar variation 597201 (VCV000597201.13), dbSNP rs748833010, ClinGen allele CA1637658.

ClinVar aggregate classification (germline): Uncertain significance. Review status: criteria provided, multiple submitters, no conflicts (2 of 4 stars). 3 submissions from 3 submitters: Uncertain significance (3). Last evaluated 2024-06-06.

Conditions:
Cardiovascular phenotype. Identifiers: MedGen CN230736.

Allele frequency attached by ClinVar (database versions not stated): gnomAD 0.00001; TOPMed 0.00003.
gnomAD v4.1: 16 of 1,613,784 alleles (0.00099%); highest among the groups gnomAD compares: African/African-American, 0.0067%; no homozygotes.

Submissions (3):

Labcorp Genetics (formerly Invitae), Labcorp
Classification: Uncertain significance. Last evaluated: 2024-06-06. Review status: criteria provided, single submitter. Criteria: Invitae Variant Classification Sherloc (09022015). Collection method: clinical testing. Allele origin: germline.
Comment: This sequence change replaces alanine, which is neutral and non-polar, with threonine, which is neutral and polar, at codon 588 of the ABCG8 protein (p.Ala588Thr). This variant is present in population databases (rs748833010, gnomAD 0.007%). This variant has not been reported in the literature in individuals affected with ABCG8-related conditions. ClinVar contains an entry for this variant (Variation ID: 597201). Advanced modeling of protein sequence and biophysical properties (such as structural, functional, and spatial information, amino acid conservation, physicochemical variation, residue mobility, and thermodynamic stability) performed at Invitae indicates that this missense variant is not expected to disrupt ABCG8 protein function with a negative predictive value of 80%. In summary, the available evidence is currently insufficient to determine the role of this variant in disease. Therefore, it has been classified as a Variant of Uncertain Significance.

Ambry Genetics
Classification: Uncertain significance for Cardiovascular phenotype. Last evaluated: 2022-03-09. Review status: criteria provided, single submitter. Criteria: Ambry Variant Classification Scheme 2023. Collection method: clinical testing. Allele origin: germline.
Comment: The p.A588T variant (also known as c.1762G>A), located in coding exon 12 of the ABCG8 gene, results from a G to A substitution at nucleotide position 1762. The alanine at codon 588 is replaced by threonine, an amino acid with similar properties. This amino acid position is conserved. In addition, this alteration is predicted to be tolerated by in silico analysis. Since supporting evidence is limited at this time, the clinical significance of this alteration remains unclear.

Eurofins Ntd Llc (ga)
Classification: Uncertain significance. Last evaluated: 2018-05-11. Review status: criteria provided, single submitter. Criteria: EGL ClinVar v180209 classification definitions. Collection method: clinical testing. Allele origin: germline. Observed: 1 variant allele, 1 heterozygote.